The following is an entry in ClinVar:

ClinVar aggregate classification (germline): Conflicting classifications of pathogenicity. Review status: criteria provided, conflicting classifications (1 of 4 stars). 5 submissions from 4 submitters: Uncertain significance (2); Likely benign (2). 1 of the submissions does not count toward it. Last evaluated 2024-05-04.

Conditions:
Perry syndrome. Also called: PARKINSONISM WITH ALVEOLAR HYPOVENTILATION AND MENTAL DEPRESSION. Identifiers: Orphanet 178509, MedGen C1868594, MONDO:0008201, OMIM 168605.
Neuronopathy, distal hereditary motor, type 7B. Also called: HMN VIIB; LOWER MOTOR NEURON DISEASE, DYNACTIN TYPE; NEURONOPATHY, DISTAL HEREDITARY MOTOR, AUTOSOMAL DOMINANT 14; NEURONOPATHY, DISTAL HEREDITARY MOTOR, HARDING TYPE VIIB; NEUROPATHY, DISTAL HEREDITARY MOTOR, HARDING TYPE VIIB; NEUROPATHY, DISTAL HEREDITARY MOTOR, WITH VOCAL CORD PARALYSIS, HARDING TYPE VIIB. Identifiers: Orphanet 139589, MedGen C1843315, MONDO:0011879, OMIM 607641.
DCTN1-related disorder. Also called: DCTN1-related condition.
Amyotrophic lateral sclerosis type 1 (ALS1). Also called: AMYOTROPHIC LATERAL SCLEROSIS 1, FAMILIAL. Identifiers: Orphanet 803, MedGen C1862939, MONDO:0007103, OMIM 105400.
Inborn genetic diseases. Identifiers: MedGen C0950123, MeSH D030342.

Allele frequency attached by ClinVar (database versions not stated): gnomAD exomes below 0.00001.
gnomAD v4.1: 1 of 1,614,048 alleles (0.000062%); highest among the groups gnomAD compares: Non-Finnish European, 0.000085%; no homozygotes.

Submissions (5):

Labcorp Genetics (formerly Invitae), Labcorp
Classification: Likely benign for Amyotrophic lateral sclerosis type 1; Neuronopathy, distal hereditary motor, type 7B; Perry syndrome. Last evaluated: 2024-05-04. Review status: criteria provided, single submitter. Criteria: Invitae Variant Classification Sherloc (09022015). Collection method: clinical testing. Allele origin: germline.

Ambry Genetics
Classification: Likely benign for Inborn genetic diseases. Last evaluated: 2019-07-11. Review status: criteria provided, single submitter. Criteria: Ambry Variant Classification Scheme 2023. Collection method: clinical testing. Allele origin: germline.

Illumina Laboratory Services, Illumina
Classification: Uncertain significance for Neuronopathy, distal hereditary motor, type 7B. Last evaluated: 2018-01-12. Review status: criteria provided, single submitter. Criteria: ICSL Variant Classification Criteria 13 December 2019. Collection method: clinical testing. Allele origin: germline.

Illumina Laboratory Services, Illumina
Classification: Uncertain significance for Perry syndrome. Last evaluated: 2018-01-12. Review status: criteria provided, single submitter. Criteria: ICSL Variant Classification Criteria 13 December 2019. Collection method: clinical testing. Allele origin: germline.

PreventionGenetics, part of Exact Sciences
Classification: Likely benign for DCTN1-related condition. Last evaluated: 2023-02-15. Review status: no assertion criteria provided. Collection method: clinical testing. Allele origin: germline. Not counted in ClinVar's aggregate classification.
Comment: This variant is classified as likely benign based on ACMG/AMP sequence variant interpretation guidelines (Richards et al. 2015 PMID: 25741868, with internal and published modifications).

NM_004082.5(DCTN1):c.1140T>G (p.Leu380=)

Gene: DCTN1 (dynactin subunit 1; minus strand). Cytogenetic location: 2p13.1.
Variant type: single nucleotide variant.
Coding change: c.1140T>G on transcript NM_004082.5 (MANE Select); coding-DNA position 1140, T replaced by G.
Protein change: p.Leu380=; no amino-acid change (leucine 380 retained).
Molecular consequence: synonymous variant. On other transcripts: non-coding transcript variant (1).
Genome position (GRCh38, 1-based): chr2:74,370,333, A>C on the plus strand (T>G on the coding strand, the complement: DCTN1 is on the minus strand). VCF-style: chr2-74370333-A-C. GRCh37 (hg19) VCF-style: chr2-74597460-A-C.
Other names: c.1080T>G, p.Leu360= (NM_001135040.3); c.738T>G, p.Leu246= (NM_001135041.3, NM_023019.4); c.1029T>G, p.Leu343= (NM_001190836.2); c.1119T>G, p.Leu373= (NM_001190837.2); c.1089T>G, p.Leu363= (NM_001378991.1); c.1071T>G, p.Leu357= (NM_001378992.1).
Identifiers: ClinVar variation 337089 (VCV000337089.12), dbSNP rs886056332, ClinGen allele CA10613975.